The following is an entry in ClinVar:

ClinVar aggregate classification (germline): Uncertain significance. Review status: criteria provided, single submitter (1 of 4 stars). 3 submissions from 3 submitters: Uncertain significance (1). 2 of the submissions do not count toward it. Last evaluated 2021-01-16.

Conditions:
Charcot-Marie-Tooth Neuropathy X. Identifiers: MedGen CN118851.
Hearing loss, X-linked 1 (DFNX1). Also called: DEAFNESS, X-LINKED 1; DEAFNESS, X-LINKED 2, SENSORINEURAL CONGENITAL; DFNX1 Nonsyndromic Hearing Loss and Deafness; DFNX1 Nonsyndromic Sensorineural Hearing Loss (DFN2). Identifiers: Orphanet 90625, MedGen C1844677, MONDO:0010577, OMIM 304500.

Submissions (3):

Labcorp Genetics (formerly Invitae), Labcorp
Classification: Uncertain significance for Charcot-Marie-Tooth Neuropathy X. Last evaluated: 2021-01-16. Review status: criteria provided, single submitter. Criteria: Invitae Variant Classification Sherloc (09022015). Collection method: clinical testing. Allele origin: germline.
Comment: This sequence change replaces alanine with threonine at codon 87 of the PRPS1 protein (p.Ala87Thr). The alanine residue is highly conserved and there is a small physicochemical difference between alanine and threonine. This variant is not present in population databases (ExAC no frequency). This variant has been observed in individual(s) with deafness (PMID: 20021999). ClinVar contains an entry for this variant (Variation ID: 9939). Algorithms developed to predict the effect of missense changes on protein structure and function are either unavailable or do not agree on the potential impact of this missense change (SIFT: "Deleterious"; PolyPhen-2: "Benign"; Align-GVGD: "Class C0"). In summary, the available evidence is currently insufficient to determine the role of this variant in disease. Therefore, it has been classified as a Variant of Uncertain Significance.

OMIM
Classification: Pathogenic for DEAFNESS, X-LINKED 1. Last evaluated: 2010-01-01. Review status: no assertion criteria provided. Collection method: literature only. Allele origin: germline. Not counted in ClinVar's aggregate classification.

GeneReviews
No classification provided. Condition: Hearing loss, X-linked 1. Review status: no classification provided. Collection method: literature only. Allele origin: germline. Not counted in ClinVar's aggregate classification.

Literature cited by the submitters: PubMed 20021999 (cited by 3 submitters); PubMed 8968763 (cited by OMIM).

NM_002764.4(PRPS1):c.259G>A (p.Ala87Thr)

Gene: PRPS1 (phosphoribosyl pyrophosphate synthetase 1; plus strand). Cytogenetic location: Xq22.3.
Variant type: single nucleotide variant.
Coding change: c.259G>A on transcript NM_002764.4 (MANE Select); coding-DNA position 259, G replaced by A.
Protein change: p.Ala87Thr; replaces alanine 87 with threonine.
Molecular consequence: missense variant. On other transcripts: intron variant (1).
Genome position (GRCh38, 1-based): chrX:107,639,431, G>A. VCF-style: chrX-107639431-G-A. GRCh37 (hg19) VCF-style: chrX-106882661-G-A.
Other names: c.-82-5746G>A (NM_001204402.2); short protein forms A87T.
Identifiers: ClinVar variation 9939 (VCV000009939.10), dbSNP rs180177152, ClinGen allele CA254947.